The following is an entry in ClinVar:

ClinVar aggregate classification (germline): Likely pathogenic (1 of 4 stars; one submission).

gnomAD v4.1: 1 of 1,605,916 alleles (0.000062%); highest among the groups gnomAD compares: Non-Finnish European, 0.000085%; no homozygotes.

Submission:

Labcorp Genetics (formerly Invitae), Labcorp
Classification: Likely pathogenic. Last evaluated: 2025-06-24. Review status: criteria provided, single submitter. Criteria: Invitae Variant Classification Sherloc (09022015). Collection method: clinical testing. Allele origin: germline.
Comment: This sequence change affects an acceptor splice site in intron 8 of the SAG gene. It is expected to disrupt RNA splicing. Variants that disrupt the donor or acceptor splice site typically lead to a loss of protein function (PMID: 16199547), and loss-of-function variants in SAG are known to be pathogenic (PMID: 9452120, 15234147, 22665972). This variant is not present in population databases (gnomAD no frequency). Disruption of this splice site has been observed in individual(s) with autosomal recessive Oguchi disease (PMID: 35549688). ClinVar contains an entry for this variant (Variation ID: 3639091). Algorithms developed to predict the effect of sequence changes on RNA splicing suggest that this variant may disrupt the consensus splice site. In summary, the currently available evidence indicates that the variant is pathogenic, but additional data are needed to prove that conclusively. Therefore, this variant has been classified as Likely Pathogenic.

Literature cited by the submitters: PubMed 16199547; PubMed 9452120; PubMed 15234147; PubMed 22665972; PubMed 35549688.

NM_000541.5(SAG):c.649-1G>T

Gene: SAG (S-antigen visual arrestin; plus strand). Cytogenetic location: 2q37.1.
Variant type: single nucleotide variant.
Coding change: c.649-1G>T on transcript NM_000541.5 (MANE Select); the canonical splice acceptor site of the intron before coding-DNA position 649, G replaced by T.
Molecular consequence: splice acceptor variant.
Genome position (GRCh38, 1-based): chr2:233,329,492, G>T. VCF-style: chr2-233329492-G-T. GRCh37 (hg19) VCF-style: chr2-234238138-G-T.
Identifiers: ClinVar variation 3639091 (VCV003639091.2).